The following is an entry in ClinVar:

ClinVar aggregate classification (germline): Conflicting classifications of pathogenicity. Review status: criteria provided, conflicting classifications (1 of 4 stars). 8 submissions from 7 submitters: Uncertain significance (2); Benign (1); Likely benign (5). Last evaluated 2026-01-15.

Conditions:
Schwartz-Jampel syndrome. Also called: Myotonic myopathy dwarfism chondrodystrophy and ocular and facial abnormalities. Identifiers: Orphanet 800, MedGen C0036391, MONDO:0009717.
Lethal Kniest-like syndrome (DDSH). Also called: Dyssegmental Dysplasia. Identifiers: Orphanet 1865, MedGen C1857100, MONDO:0009140, OMIM 224410.

Allele frequency attached by ClinVar (database versions not stated): ESP Exome Variant Server 0.00062; TOPMed 0.00079; gnomAD exomes 0.00092 and 0.00108; gnomAD 0.00096 and 0.00098; ExAC 0.00147.

Submissions (8):

Labcorp Genetics (formerly Invitae), Labcorp
Classification: Likely benign. Last evaluated: 2026-01-15. Review status: criteria provided, single submitter. Criteria: Invitae Variant Classification Sherloc (09022015). Collection method: clinical testing. Allele origin: germline.

Blueprint Genetics
Classification: Likely benign. Last evaluated: 2024-10-30. Review status: criteria provided, single submitter. Criteria: ACMG Guidelines, 2015. Collection method: clinical testing. Allele origin: germline.

CeGaT Center for Human Genetics Tuebingen
Classification: Likely benign. Last evaluated: 2024-06-01. Review status: criteria provided, single submitter. Criteria: CeGaT Center For Human Genetics Tuebingen Variant Classification Criteria Version 2. Collection method: clinical testing. Allele origin: germline. Affected: yes. Observed: 2 variant alleles.
Comment: HSPG2: BP4, BP7

GeneDx
Classification: Likely benign. Last evaluated: 2021-03-22. Review status: criteria provided, single submitter. Criteria: GeneDx Variant Classification Process June 2021. Collection method: clinical testing. Allele origin: germline. Affected: yes.

ARUP Laboratories, Molecular Genetics and Genomics, ARUP Laboratories
Classification: Benign. Last evaluated: 2020-01-20. Review status: criteria provided, single submitter. Criteria: ARUP Molecular Germline Variant Investigation Process. Collection method: clinical testing. Allele origin: germline.

Illumina Laboratory Services, Illumina
Classification: Uncertain significance for Schwartz-Jampel syndrome type 1. Last evaluated: 2018-01-12. Review status: criteria provided, single submitter. Criteria: ICSL Variant Classification Criteria 13 December 2019. Collection method: clinical testing. Allele origin: germline.

Illumina Laboratory Services, Illumina
Classification: Uncertain significance for Lethal Kniest-like syndrome. Last evaluated: 2018-01-12. Review status: criteria provided, single submitter. Criteria: ICSL Variant Classification Criteria 13 December 2019. Collection method: clinical testing. Allele origin: germline.

Athena Diagnostics
Classification: Likely benign. Last evaluated: 2017-12-04. Review status: criteria provided, single submitter. Criteria: Athena Diagnostics Criteria. Collection method: clinical testing. Allele origin: germline.

NM_005529.7(HSPG2):c.12072C>T (p.Asp4024=)

Gene: HSPG2 (heparan sulfate proteoglycan 2; minus strand). Cytogenetic location: 1p36.12.
Variant type: single nucleotide variant.
Coding change: c.12072C>T on transcript NM_005529.7 (MANE Select); coding-DNA position 12072, C replaced by T.
Protein change: p.Asp4024=; no amino-acid change (aspartic acid 4024 retained).
Molecular consequence: synonymous variant.
Genome position (GRCh38, 1-based): chr1:21,829,000, G>A on the plus strand (C>T on the coding strand, the complement: HSPG2 is on the minus strand). VCF-style: chr1-21829000-G-A. GRCh37 (hg19) VCF-style: chr1-22155493-G-A.
Other names: c.12075C>T, p.Asp4025= (NM_001291860.2).
Identifiers: ClinVar variation 295709 (VCV000295709.48), dbSNP rs146167897, ClinGen allele CA669529.